The following is an entry in ClinVar:

ClinVar aggregate classification (germline): Uncertain significance. Review status: criteria provided, multiple submitters, no conflicts (2 of 4 stars). 4 submissions from 4 submitters: Uncertain significance (4). Last evaluated 2025-07-30.

Conditions:
Hereditary cancer-predisposing syndrome. Also called: Hereditary Cancer Syndrome; Hereditary neoplastic syndrome; Neoplastic Syndromes, Hereditary; Tumor predisposition. Identifiers: Orphanet 140162, MedGen C0027672, MeSH D009386, MONDO:0015356.
Familial cancer of breast. Also called: Hereditary breast cancer; BREAST CANCER, FAMILIAL; hereditary breast carcinoma. Identifiers: Orphanet 227535, MedGen C0346153, MONDO:0016419, OMIM 114480. Disease mechanism: loss of function.

gnomAD v4.1: 1 of 1,613,750 alleles (0.000062%); highest among the groups gnomAD compares: South Asian, 0.0011%; no homozygotes.

Submissions (4):

Labcorp Genetics (formerly Invitae), Labcorp
Classification: Uncertain significance for Familial cancer of breast. Last evaluated: 2025-07-30. Review status: criteria provided, single submitter. Criteria: Invitae Variant Classification Sherloc (09022015). Collection method: clinical testing. Allele origin: germline.
Comment: This sequence change replaces proline, which is neutral and non-polar, with serine, which is neutral and polar, at codon 454 of the BARD1 protein (p.Pro454Ser). This variant is not present in population databases (gnomAD no frequency). This variant has not been reported in the literature in individuals affected with BARD1-related conditions. ClinVar contains an entry for this variant (Variation ID: 216438). An algorithm developed to predict the effect of missense changes on protein structure and function (PolyPhen-2) suggests that this variant is likely to be disruptive. In summary, the available evidence is currently insufficient to determine the role of this variant in disease. Therefore, it has been classified as a Variant of Uncertain Significance.

Institute for Biomarker Research, Medical Diagnostic Laboratories, L.L.C.
Classification: Uncertain significance for Hereditary cancer-predisposing syndrome. Last evaluated: 2025-04-10. Review status: criteria provided, single submitter. Criteria: ACMG Guidelines, 2015. Collection method: clinical testing. Allele origin: germline.
Comment: The missense variant NM_000465.4(BARD1):c.1360C>T (p.Pro454Ser) has not been reported previously as a pathogenic variant nor as a benign variant, to our knowledge. The p.Pro454Ser variant is novel (not in any individuals) in gnomAD. There is a moderate physicochemical difference between proline and serine. The p.Pro454Ser missense variant is predicted to be damaging by both SIFT and PolyPhen2. The proline residue at codon 454 of BARD1 is conserved in all mammalian species. The nucleotide c.1360 in BARD1 is predicted conserved by GERP++ and PhyloP across 100 vertebrates. For these reasons, this variant has been classified as Uncertain Significance

Ambry Genetics
Classification: Uncertain significance for Hereditary cancer-predisposing syndrome. Last evaluated: 2024-09-28. Review status: criteria provided, single submitter. Criteria: Ambry Variant Classification Scheme 2023. Collection method: clinical testing. Allele origin: germline.
Comment: The p.P454S variant (also known as c.1360C>T), located in coding exon 5 of the BARD1 gene, results from a C to T substitution at nucleotide position 1360. The proline at codon 454 is replaced by serine, an amino acid with similar properties. This amino acid position is highly conserved in available vertebrate species. In addition, the in silico prediction for this alteration is inconclusive. Since supporting evidence is limited at this time, the clinical significance of this alteration remains unclear.

Color Diagnostics, LLC DBA Color Health
Classification: Uncertain significance for Hereditary cancer-predisposing syndrome. Last evaluated: 2019-03-25. Review status: criteria provided, single submitter. Criteria: ACMG Guidelines, 2015. Collection method: clinical testing. Allele origin: germline.

NM_000465.4(BARD1):c.1360C>T (p.Pro454Ser)

Gene: BARD1 (BRCA1 associated RING domain 1; minus strand). Cytogenetic location: 2q35.
Variant type: single nucleotide variant.
Coding change: c.1360C>T on transcript NM_000465.4 (MANE Select); coding-DNA position 1360, C replaced by T.
Protein change: p.Pro454Ser; replaces proline 454 with serine.
Molecular consequence: missense variant. On other transcripts: non-coding transcript variant (3), intron variant (3).
Genome position (GRCh38, 1-based): chr2:214,769,267, G>A on the plus strand (C>T on the coding strand, the complement: BARD1 is on the minus strand). VCF-style: chr2-214769267-G-A. GRCh37 (hg19) VCF-style: chr2-215633991-G-A.
Other names: c.1303C>T, p.Pro435Ser (NM_001282543.2); c.159-16712C>T (NM_001282548.2); c.216-16712C>T (NM_001282545.2); c.364+23030C>T (NM_001282549.2); short protein forms P454S, P435S.
Identifiers: ClinVar variation 216438 (VCV000216438.19), dbSNP rs730881408, ClinGen allele CA336385.